The following is an entry in ClinVar:

ClinVar aggregate classification (germline): Uncertain significance. Review status: criteria provided, multiple submitters, no conflicts (2 of 4 stars). 5 submissions from 5 submitters: Uncertain significance (4). 1 of the submissions does not count toward it. Last evaluated 2025-05-08.

Conditions:
Inborn genetic diseases. Identifiers: MedGen C0950123, MeSH D030342.
Dyskeratosis congenita. Identifiers: Orphanet 1775, MedGen C0265965, MONDO:0015780.
CTC1-related disorder. Also called: CTC1-related condition.

Allele frequency attached by ClinVar (database versions not stated): TOPMed 0.00008; 1000 Genomes Project 30x 0.00016.

Submissions (5):

Women's Health and Genetics/Laboratory Corporation of America, LabCorp
Classification: Uncertain significance. Last evaluated: 2025-05-08. Review status: criteria provided, single submitter. Criteria: LabCorp Variant Classification Summary - May 2015. Collection method: clinical testing. Allele origin: germline.
Comment: Variant summary: CTC1 c.1766G>A (p.Arg589His) results in a non-conservative amino acid change in the encoded protein sequence. Algorithms developed to predict the effect of missense changes on protein structure and function are either unavailable or do not agree on the potential impact of this missense change. The variant allele was found at a frequency of 2.5e-05 in 158802 control chromosomes. The available data on variant occurrences in the general population are insufficient to allow any conclusion about variant significance. To our knowledge, no occurrence of c.1766G>A in individuals affected with Cerebroretinal Microangiopathy With Calcifications And Cysts 1 and no experimental evidence demonstrating its impact on protein function have been reported. ClinVar contains an entry for this variant (Variation ID: 862400). Based on the evidence outlined above, the variant was classified as uncertain significance.

Labcorp Genetics (formerly Invitae), Labcorp
Classification: Uncertain significance for Dyskeratosis congenita. Last evaluated: 2025-03-13. Review status: criteria provided, single submitter. Criteria: Invitae Variant Classification Sherloc (09022015). Collection method: clinical testing. Allele origin: germline.
Comment: This sequence change replaces arginine, which is basic and polar, with histidine, which is basic and polar, at codon 589 of the CTC1 protein (p.Arg589His). This variant is present in population databases (rs771224545, gnomAD 0.008%). This variant has not been reported in the literature in individuals affected with CTC1-related conditions. ClinVar contains an entry for this variant (Variation ID: 862400). Invitae Evidence Modeling of protein sequence and biophysical properties (such as structural, functional, and spatial information, amino acid conservation, physicochemical variation, residue mobility, and thermodynamic stability) indicates that this missense variant is not expected to disrupt CTC1 protein function with a negative predictive value of 80%. In summary, the available evidence is currently insufficient to determine the role of this variant in disease. Therefore, it has been classified as a Variant of Uncertain Significance.

GeneDx
Classification: Uncertain significance. Last evaluated: 2022-08-22. Review status: criteria provided, single submitter. Criteria: GeneDx Variant Classification Process June 2021. Collection method: clinical testing. Allele origin: germline. Affected: yes.
Comment: In silico analysis supports that this missense variant does not alter protein structure/function; Has not been previously published as pathogenic or benign to our knowledge

Ambry Genetics
Classification: Uncertain significance for Inborn genetic diseases. Last evaluated: 2021-02-16. Review status: criteria provided, single submitter. Criteria: Ambry Variant Classification Scheme 2023. Collection method: clinical testing. Allele origin: germline.

PreventionGenetics, part of Exact Sciences
Classification: Uncertain significance for CTC1-related condition. Last evaluated: 2024-03-22. Review status: no assertion criteria provided. Collection method: clinical testing. Allele origin: germline. Not counted in ClinVar's aggregate classification.
Comment: The CTC1 c.1766G>A variant is predicted to result in the amino acid substitution p.Arg589His. To our knowledge, this variant has not been reported in the literature. This variant is reported in 0.0078% of alleles in individuals of East Asian descent in gnomAD. At this time, the clinical significance of this variant is uncertain due to the absence of conclusive functional and genetic evidence.

NM_025099.6(CTC1):c.1766G>A (p.Arg589His)

Gene: CTC1 (CST telomere replication complex component 1; minus strand). Cytogenetic location: 17p13.1.
Variant type: single nucleotide variant.
Coding change: c.1766G>A on transcript NM_025099.6 (MANE Select); coding-DNA position 1766, G replaced by A.
Protein change: p.Arg589His; replaces arginine 589 with histidine.
Molecular consequence: missense variant. On other transcripts: non-coding transcript variant (1).
Genome position (GRCh38, 1-based): chr17:8,234,507, C>T on the plus strand (G>A on the coding strand, the complement: CTC1 is on the minus strand). VCF-style: chr17-8234507-C-T. GRCh37 (hg19) VCF-style: chr17-8137825-C-T.
Other names: short protein forms R589H.
Identifiers: ClinVar variation 862400 (VCV000862400.9), dbSNP rs771224545, ClinGen allele CA8372261.